The following is an entry in ClinVar:

NM_002948.5(RPL15):c.565C>T (p.Arg189Trp)

Genes: NKIRAS1 (NFKB inhibitor interacting Ras like 1; minus strand), RPL15 (ribosomal protein L15; plus strand). Cytogenetic location: 3p24.2.
Variant type: single nucleotide variant.
Coding change: c.565C>T on transcript NM_002948.5 (MANE Select); coding-DNA position 565, C replaced by T.
Protein change: p.Arg189Trp; replaces arginine 189 with tryptophan.
Molecular consequence: missense variant. On other transcripts: intron variant (2).
Genome position (GRCh38, 1-based): chr3:23,919,451, C>T. VCF-style: chr3-23919451-C-T. GRCh37 (hg19) VCF-style: chr3-23960942-C-T.
Other names: c.565C>T, p.Arg189Trp (NM_001253379.2, NM_001253380.2, NM_001253382.2 and 1 more transcripts); c.-139-8001G>A (NM_001377380.1); c.360+205C>T (NM_001253384.2); short protein forms R189W.
Identifiers: ClinVar variation 2701609 (VCV002701609.3), dbSNP rs370345068, ClinGen allele CA2286540.
Genomic context (GRCh38, chr3:23,919,451, plus strand): 5'-CGAAAGAGCCGTGGCCTTGGAAAGGGCCACAAGTTCCACCACACTATTGGTGGCTCTCGC[C>T]GGGCAGCTTGGAGAAGGCGCAATACTCTCCAGCTCCACCGTTACCGCTAATATAAGTAAA-3'
Protein context (NP_002939.2, residues 179-199): KFHHTIGGSR[Arg189Trp]AAWRRRNTLQ

ClinVar aggregate classification (germline): Uncertain significance. Review status: criteria provided, multiple submitters, no conflicts (2 of 4 stars). 2 submissions from 2 submitters: Uncertain significance (2). Last evaluated 2025-09-28.

Allele frequency attached by ClinVar (database versions not stated): ESP Exome Variant Server 0.00008; ExAC 0.00003.
gnomAD v4.1: 17 of 1,603,904 alleles (0.0011%); highest among the groups gnomAD compares: Admixed American, 0.005%; no homozygotes.

Submissions (2):

Ambry Genetics
Classification: Uncertain significance. Last evaluated: 2025-09-28. Review status: criteria provided, single submitter. Criteria: Ambry Variant Classification Scheme 2023. Collection method: clinical testing. Allele origin: germline.

Labcorp Genetics (formerly Invitae), Labcorp
Classification: Uncertain significance. Last evaluated: 2024-04-24. Review status: criteria provided, single submitter. Criteria: Invitae Variant Classification Sherloc (09022015). Collection method: clinical testing. Allele origin: germline.
Comment: This sequence change replaces arginine, which is basic and polar, with tryptophan, which is neutral and slightly polar, at codon 189 of the RPL15 protein (p.Arg189Trp). This variant is present in population databases (rs370345068, gnomAD 0.002%). This variant has not been reported in the literature in individuals affected with RPL15-related conditions. An algorithm developed to predict the effect of missense changes on protein structure and function (PolyPhen-2) suggests that this variant is likely to be tolerated. In summary, the available evidence is currently insufficient to determine the role of this variant in disease. Therefore, it has been classified as a Variant of Uncertain Significance.